The following is an entry in ClinVar:

ClinVar aggregate classification (germline): Uncertain significance (1 of 4 stars; one submission).

Conditions:
Cohen syndrome (COH1). Also called: Cutis verticis gyrata, retinitis pigmentosa, and sensorineural deafness; PEPPER SYNDROME. Identifiers: Orphanet 193, MedGen C0265223, MONDO:0008999, OMIM 216550.

Submission:

Labcorp Genetics (formerly Invitae), Labcorp
Classification: Uncertain significance for Cohen syndrome. Last evaluated: 2022-07-19. Review status: criteria provided, single submitter. Criteria: Invitae Variant Classification Sherloc (09022015). Collection method: clinical testing. Allele origin: germline.
Comment: Algorithms developed to predict the effect of missense changes on protein structure and function are either unavailable or do not agree on the potential impact of this missense change (SIFT: "Not Available"; PolyPhen-2: "Possibly Damaging"; Align-GVGD: "Not Available"). In summary, the available evidence is currently insufficient to determine the role of this variant in disease. Therefore, it has been classified as a Variant of Uncertain Significance. ClinVar contains an entry for this variant (Variation ID: 1425457). This variant has not been reported in the literature in individuals affected with VPS13B-related conditions. This variant is not present in population databases (gnomAD no frequency). This sequence change replaces asparagine, which is neutral and polar, with histidine, which is basic and polar, at codon 204 of the VPS13B protein (p.Asn204His).

NM_152564.5(VPS13B):c.610A>C (p.Asn204His)

Gene: VPS13B (vacuolar protein sorting 13 homolog B; plus strand). Cytogenetic location: 8q22.2.
Variant type: single nucleotide variant.
Coding change: c.610A>C on transcript NM_152564.5 (MANE Select); coding-DNA position 610, A replaced by C.
Protein change: p.Asn204His; replaces asparagine 204 with histidine.
Molecular consequence: missense variant. On other transcripts: non-coding transcript variant (1).
Genome position (GRCh38, 1-based): chr8:99,111,127, A>C. VCF-style: chr8-99111127-A-C. GRCh37 (hg19) VCF-style: chr8-100123355-A-C.
Other names: c.610A>C, p.Asn204His (NM_015243.3, NM_017890.5, NM_181661.3); short protein forms N204H.
Identifiers: ClinVar variation 1425457 (VCV001425457.6), dbSNP rs2132481643, ClinGen allele CA371859976.